The following is an entry in ClinVar:

NM_001370298.3(FGD4):c.1749+3G>A

Gene: FGD4 (FYVE, RhoGEF and PH domain containing 4; plus strand). Cytogenetic location: 12p11.21.
Variant type: single nucleotide variant.
Coding change: c.1749+3G>A on transcript NM_001370298.3 (MANE Select); 3 bases into the intron after coding-DNA position 1749, G replaced by A.
Molecular consequence: intron variant.
Genome position (GRCh38, 1-based): chr12:32,611,286, G>A. VCF-style: chr12-32611286-G-A. GRCh37 (hg19) VCF-style: chr12-32764220-G-A.
Other names: c.1749+3G>A (NM_001384126.1); c.1593+3G>A (NM_001304481.2); c.1059+3G>A (NM_001330374.2, NM_001330373.2, NM_001384130.1); c.1338+3G>A (NM_139241.3, NM_001384127.1, NM_001385118.1 and 1 more transcripts); c.306+3G>A (NM_001304484.2); c.786+3G>A (NM_001370297.1); c.594+3G>A (NM_001304483.2).
Identifiers: ClinVar variation 661270 (VCV000661270.7), dbSNP rs542398408, ClinGen allele CA6506860.

ClinVar aggregate classification (germline): Uncertain significance (1 of 4 stars; one submission).

Conditions:
Charcot-Marie-Tooth disease type 4. Also called: Charcot-Marie-Tooth, Type 4; Charcot-Marie-Tooth disease, type IV. Identifiers: Orphanet 64749, MedGen C4082197, MONDO:0018995.

Allele frequency attached by ClinVar (database versions not stated): gnomAD exomes below 0.00001 and 0.00001; ExAC 0.00001; gnomAD 0.00001; 1000 Genomes Project 30x 0.00016; 1000 Genomes Project 0.00020.
gnomAD v4.1: 7 of 1,614,132 alleles (0.00043%); highest among the groups gnomAD compares: South Asian, 0.0077%; no homozygotes.

Submission:

Labcorp Genetics (formerly Invitae), Labcorp
Classification: Uncertain significance for Charcot-Marie-Tooth disease type 4. Last evaluated: 2018-12-25. Review status: criteria provided, single submitter. Criteria: Invitae Variant Classification Sherloc (09022015). Collection method: clinical testing. Allele origin: germline.
Comment: This sequence change falls in intron 10 of the FGD4 gene. It does not directly change the encoded amino acid sequence of the FGD4 protein, but it affects a nucleotide within the consensus splice site of the intron. In summary, the available evidence is currently insufficient to determine the role of this variant in disease. Therefore, it has been classified as a Variant of Uncertain Significance. Nucleotide substitutions within the consensus splice site are a relatively common cause of aberrant splicing (PMID: 17576681, 9536098). Algorithms developed to predict the effect of sequence changes on RNA splicing suggest that this variant is not likely to affect RNA splicing, but this prediction has not been confirmed by published transcriptional studies. This variant has not been reported in the literature in individuals with FGD4-related disease. This variant is present in population databases (rs542398408, ExAC 0.006%).

Literature cited by the submitters: PubMed 17576681; PubMed 9536098.